The following is an entry in ClinVar:

ClinVar aggregate classification (germline): Uncertain significance (1 of 4 stars; one submission).

Conditions:
Juvenile polyposis syndrome (JPS). Identifiers: Orphanet 2929, MedGen C0345893, MONDO:0017380, OMIM 174900.

Submission:

Labcorp Genetics (formerly Invitae), Labcorp
Classification: Uncertain significance for Juvenile polyposis syndrome. Last evaluated: 2021-03-26. Review status: criteria provided, single submitter. Criteria: Invitae Variant Classification Sherloc (09022015). Collection method: clinical testing. Allele origin: germline.
Comment: In summary, the available evidence is currently insufficient to determine the role of this variant in disease. Therefore, it has been classified as a Variant of Uncertain Significance. Experimental studies and prediction algorithms are not available or were not evaluated, and the functional significance of this variant is currently unknown. This variant has not been reported in the literature in individuals with BMPR1A-related conditions. This variant is not present in population databases (ExAC no frequency). This variant, c.340_342del, results in the deletion of 1 amino acid(s) of the BMPR1A protein (p.Pro114del), but otherwise preserves the integrity of the reading frame.

NM_004329.3(BMPR1A):c.340_342del (p.Pro114del)

Gene: BMPR1A (bone morphogenetic protein receptor type 1A; plus strand). Cytogenetic location: 10q23.2.
Variant type: Deletion.
Coding change: c.340_342del on transcript NM_004329.3 (MANE Select); coding-DNA positions 340 to 342, 3 bases deleted (CCA; older notation c.340_342delCCA).
Protein change: p.Pro114del; deletes proline 114.
Molecular consequence: inframe deletion.
Genome position (GRCh38, 1-based): chr10:86,899,800-86,899,802, CCA deleted. VCF-style (leftmost placement, unchanged base first): chr10-86899799-TCCA-T. GRCh37 (hg19) VCF-style: chr10-88659556-TCCA-T.
Other names: short protein forms P114del.
Identifiers: ClinVar variation 1520230 (VCV001520230.8), dbSNP rs2133453263, ClinGen allele CA2573145684.